The following is an entry in ClinVar:

ClinVar aggregate classification (germline): Uncertain significance. Review status: criteria provided, multiple submitters, no conflicts (2 of 4 stars). 2 submissions from 2 submitters: Uncertain significance (2). Last evaluated 2025-01-10.

Conditions:
Inborn genetic diseases. Identifiers: MedGen C0950123, MeSH D030342.

Allele frequency attached by ClinVar (database versions not stated): gnomAD exomes 0.00001.
gnomAD v4.1: 7 of 1,612,988 alleles (0.00043%); highest among the groups gnomAD compares: Non-Finnish European, 0.00059%; no homozygotes.

Submissions (2):

Ambry Genetics
Classification: Uncertain significance for Inborn genetic diseases. Last evaluated: 2025-01-10. Review status: criteria provided, single submitter. Criteria: Ambry Variant Classification Scheme 2023. Collection method: clinical testing. Allele origin: germline.

Labcorp Genetics (formerly Invitae), Labcorp
Classification: Uncertain significance. Last evaluated: 2022-05-27. Review status: criteria provided, single submitter. Criteria: Invitae Variant Classification Sherloc (09022015). Collection method: clinical testing. Allele origin: germline.
Comment: This sequence change replaces asparagine, which is neutral and polar, with histidine, which is basic and polar, at codon 221 of the GRID2 protein (p.Asn221His). This variant is present in population databases (no rsID available, gnomAD 0.0009%). This variant has not been reported in the literature in individuals affected with GRID2-related conditions. Algorithms developed to predict the effect of missense changes on protein structure and function (SIFT, PolyPhen-2, Align-GVGD) all suggest that this variant is likely to be tolerated. In summary, the available evidence is currently insufficient to determine the role of this variant in disease. Therefore, it has been classified as a Variant of Uncertain Significance.

NM_001510.4(GRID2):c.661A>C (p.Asn221His)

Gene: GRID2 (glutamate ionotropic receptor delta type subunit 2; plus strand). Cytogenetic location: 4q22.2.
Variant type: single nucleotide variant.
Coding change: c.661A>C on transcript NM_001510.4 (MANE Select); coding-DNA position 661, A replaced by C.
Protein change: p.Asn221His; replaces asparagine 221 with histidine.
Molecular consequence: missense variant.
Genome position (GRCh38, 1-based): chr4:93,110,879, A>C. VCF-style: chr4-93110879-A-C. GRCh37 (hg19) VCF-style: chr4-94032030-A-C.
Other names: c.376A>C, p.Asn126His (NM_001286838.1); c.661A>C (NM_001510.2); short protein forms N221H, N126H.
Identifiers: ClinVar variation 1925212 (VCV001925212.6), dbSNP rs1476739450, ClinGen allele CA357722446.